The following is an entry in ClinVar:

ClinVar aggregate classification (germline): Uncertain significance (1 of 4 stars; one submission).

Conditions:
WDFY3-related disorder.

Submission:

PreventionGenetics, part of Exact Sciences
Classification: Uncertain significance for WDFY3-related condition. Last evaluated: 2023-10-02. Review status: criteria provided, single submitter. Criteria: ACMG Guidelines, 2015. Collection method: clinical testing. Allele origin: germline.
Comment: The WDFY3 c.3425T>A variant is predicted to result in the amino acid substitution p.Val1142Asp. To our knowledge, this variant has not been reported in the literature or in a large population database, indicating this variant is rare. At this time, the clinical significance of this variant is uncertain due to the absence of conclusive functional and genetic evidence.

NM_014991.6(WDFY3):c.3425T>A (p.Val1142Asp)

Gene: WDFY3 (WD repeat and FYVE domain containing 3; minus strand). Cytogenetic location: 4q21.23.
Variant type: single nucleotide variant.
Coding change: c.3425T>A on transcript NM_014991.6 (MANE Select); coding-DNA position 3425, T replaced by A.
Protein change: p.Val1142Asp; replaces valine 1142 with aspartic acid.
Molecular consequence: missense variant.
Genome position (GRCh38, 1-based): chr4:84,794,581, A>T on the plus strand (T>A on the coding strand, the complement: WDFY3 is on the minus strand). VCF-style: chr4-84794581-A-T. GRCh37 (hg19) VCF-style: chr4-85715734-A-T.
Other names: short protein forms V1142D.
Identifiers: ClinVar variation 2630871 (VCV002630871.1), dbSNP rs2533708437, ClinGen allele CA357559275.